The following is an entry in ClinVar:

NM_001080517.3(SETD5):c.2908G>A (p.Val970Met)

Gene: SETD5 (SET domain containing 5; plus strand). Cytogenetic location: 3p25.3.
Variant type: single nucleotide variant.
Coding change: c.2908G>A on transcript NM_001080517.3 (MANE Select); coding-DNA position 2908, G replaced by A.
Protein change: p.Val970Met; replaces valine 970 with methionine.
Molecular consequence: missense variant.
Genome position (GRCh38, 1-based): chr3:9,470,642, G>A. VCF-style: chr3-9470642-G-A. GRCh37 (hg19) VCF-style: chr3-9512326-G-A.
Other names: c.2614G>A, p.Val872Met (NM_001292043.2, NM_001349451.2); c.2908G>A (NM_001080517.2); short protein forms V872M, V970M.
Identifiers: ClinVar variation 809412 (VCV000809412.46), dbSNP rs766037213, ClinGen allele CA2239575.

ClinVar aggregate classification (germline): Conflicting classifications of pathogenicity. Review status: criteria provided, conflicting classifications (1 of 4 stars). 3 submissions from 3 submitters: Uncertain significance (1); Likely benign (1). 1 of the submissions does not count toward it. Last evaluated 2024-10-22.

Conditions:
SETD5-related disorder. Also called: SETD5-related disorders; SETD5-related condition.

Allele frequency attached by ClinVar (database versions not stated): TOPMed 0.00002; gnomAD 0.00003; ExAC 0.00007; gnomAD exomes 0.00007.
gnomAD v4.1: 67 of 1,613,754 alleles (0.0042%); highest among the groups gnomAD compares: Admixed American, 0.012%; no homozygotes.

Submissions (3):

Labcorp Genetics (formerly Invitae), Labcorp
Classification: Likely benign. Last evaluated: 2024-10-22. Review status: criteria provided, single submitter. Criteria: Invitae Variant Classification Sherloc (09022015). Collection method: clinical testing. Allele origin: germline.

CeGaT Center for Human Genetics Tuebingen
Classification: Uncertain significance. Last evaluated: 2018-05-01. Review status: criteria provided, single submitter. Criteria: CeGaT Center For Human Genetics Tuebingen Variant Classification Criteria Version 2. Collection method: clinical testing. Allele origin: germline. Affected: yes. Observed: 1 variant allele.

PreventionGenetics, part of Exact Sciences
Classification: Likely benign for SETD5-related condition. Last evaluated: 2021-08-23. Review status: no assertion criteria provided. Collection method: clinical testing. Allele origin: germline. Not counted in ClinVar's aggregate classification.
Comment: This variant is classified as likely benign based on ACMG/AMP sequence variant interpretation guidelines (Richards et al. 2015 PMID: 25741868, with internal and published modifications).